The following is an entry in ClinVar:

ClinVar aggregate classification (germline): Likely pathogenic (1 of 4 stars; one submission).

Conditions:
Neurodevelopmental disorder with dysmorphic facies and behavioral abnormalities (NEDFBA). Identifiers: MedGen C5882684, MONDO:0957583, OMIM 620489.

Submission:

Victorian Clinical Genetics Services, Murdoch Childrens Research Institute
Classification: Likely pathogenic for Neurodevelopmental disorder with dysmorphic facies and behavioral abnormalities. Last evaluated: 2024-09-20. Review status: criteria provided, single submitter. Criteria: ACMG Guidelines, 2015. Collection method: clinical testing. Allele origin: germline. Inheritance: Autosomal dominant inheritance. Affected: yes.
Comment: Based on the classification scheme VCGS_Germline_v1.3.4, this variant is classified as Likely Pathogenic. Following criteria are met: 0102 - Loss of function is a known mechanism of disease in this gene and is associated with neurodevelopmental disorder with dysmorphic facies and behavioral abnormalities (MIM#620489). (I) 0107 - This gene is associated with autosomal dominant disease. (I) 0201 - Variant is predicted to cause nonsense-mediated decay (NMD) and loss of protein (premature termination codon is located at least 54 nucleotides upstream of the final exon-exon junction). (SP) 0251 - This variant is heterozygous. (I) 0301 - Variant is absent from gnomAD (both v2 and v3). (SP) 0703 - Other NMD-predicted variants comparable to the one identified in this case have moderate previous evidence for pathogenicity. p.(Tyr77*) and p.(Ser126Trpfs*17) have been classified as pathogenic in individuals with SRSF1-related features (ClinVar, PMID: 37071997). ClinVar also contains an older VUS classification for p.(Arg97*). (SP) 0807 - This variant has no previous evidence of pathogenicity. (I) 0905 - No published segregation evidence has been identified for this variant. (I) 1007 - No published functional evidence has been identified for this variant. (I) 1208 - Inheritance information for this variant is not currently available in this individual. (I) Legend: (SP) - Supporting pathogenic, (I) - Information, (SB) - Supporting benign

Literature cited by the submitters: PubMed 37071997.

NM_006924.5(SRSF1):c.366_367del (p.Arg122fs)

Gene: SRSF1 (serine and arginine rich splicing factor 1; minus strand). Cytogenetic location: 17q22.
Variant type: Microsatellite.
Coding change: c.366_367del on transcript NM_006924.5 (MANE Select); coding-DNA positions 366 to 367, 2 bases deleted (AG; older notation c.366_367delAG).
Protein change: p.Arg122fs; shifts the reading frame from arginine 122.
Molecular consequence: frameshift variant. On other transcripts: non-coding transcript variant (2).
Genome position (GRCh38, 1-based): chr17:58,006,355-58,006,356, CT deleted on the plus strand (AG on the coding strand, the reverse complement: SRSF1 is on the minus strand); deleting any 2 consecutive bases within chr17:58,006,355-58,006,358 gives the same sequence; the c. name uses the placement nearest the transcript's 3' end. VCF-style (leftmost placement, unchanged base first): chr17-58006354-ACT-A. GRCh37 (hg19) VCF-style: chr17-56083715-ACT-A.
Other names: c.366_367del, p.Arg122fs (NM_001078166.2); short protein forms R122fs.
Identifiers: ClinVar variation 3377265 (VCV003377265.1).